The following is an entry in ClinVar:

ClinVar aggregate classification (germline): Benign/Likely benign. Review status: criteria provided, multiple submitters, no conflicts (2 of 4 stars). 3 submissions from 3 submitters: Benign (1); Likely benign (1). 1 of the submissions does not count toward it. Last evaluated 2026-01-28.

Conditions:
SAMD11-related disorder. Also called: SAMD11-related condition.

Allele frequency attached by ClinVar (database versions not stated): ESP Exome Variant Server 0.00044; gnomAD exomes 0.00052 and 0.00082; ExAC 0.00078; TOPMed 0.00082; gnomAD 0.00091 and 0.00092.
gnomAD v4.1: 953 of 1,537,668 alleles (0.062%); highest among the groups gnomAD compares: Middle Eastern, 0.07%; 10 homozygotes.

Submissions (3):

Labcorp Genetics (formerly Invitae), Labcorp
Classification: Benign. Last evaluated: 2026-01-28. Review status: criteria provided, single submitter. Criteria: Invitae Variant Classification Sherloc (09022015). Collection method: clinical testing. Allele origin: germline.

Blueprint Genetics
Classification: Likely benign. Last evaluated: 2024-10-18. Review status: criteria provided, single submitter. Criteria: ACMG Guidelines, 2015. Collection method: clinical testing. Allele origin: germline.

PreventionGenetics, part of Exact Sciences
Classification: Benign for SAMD11-related condition. Last evaluated: 2019-05-24. Review status: no assertion criteria provided. Collection method: clinical testing. Allele origin: germline. Not counted in ClinVar's aggregate classification.
Comment: This variant is classified as benign based on ACMG/AMP sequence variant interpretation guidelines (Richards et al. 2015 PMID: 25741868, with internal and published modifications).

NM_001385641.1(SAMD11):c.2053+9C>T

Gene: SAMD11 (sterile alpha motif domain containing 11; plus strand). Cytogenetic location: 1p36.33.
Variant type: single nucleotide variant.
Coding change: c.2053+9C>T on transcript NM_001385641.1 (MANE Select); 9 bases into the intron after coding-DNA position 2053, C replaced by T.
Molecular consequence: intron variant.
Genome position (GRCh38, 1-based): chr1:943,067, C>T. VCF-style: chr1-943067-C-T. GRCh37 (hg19) VCF-style: chr1-878447-C-T.
Other names: c.2056+9C>T (NM_001385640.1); c.1564+9C>T (NM_152486.4, NM_152486.2).
Identifiers: ClinVar variation 1165302 (VCV001165302.12), dbSNP rs199710569, ClinGen allele CA503074.